The following is an entry in ClinVar:

ClinVar aggregate classification (germline): Uncertain significance (1 of 4 stars; one submission).

Conditions:
Hypercholesterolemia, autosomal dominant, type B (FHCL2). Also called: APOB-Related Familial Hypercholesterolemia, Autosomal Dominant; Familial Hypercholesterolemia Type B; APOLIPOPROTEIN B-100, FAMILIAL DEFECTIVE; APOLIPOPROTEIN B-100, FAMILIAL LIGAND-DEFECTIVE; HYPERCHOLESTEROLEMIA, FAMILIAL, DUE TO LIGAND-DEFECTIVE APOLIPOPROTEIN B; Hyperlipoproteinemia Type IIb. Identifiers: MedGen C1704417, MONDO:0007751, OMIM 144010.
Familial hypobetalipoproteinemia 1. Also called: Hypobetalipoproteinemia, normotriglyceridemic; Acanthocytosis with hypobetalipoproteinemia; APOB-Related Familial Hypobetalipoproteinemia. Identifiers: MedGen C4551990, MONDO:0014252, OMIM 615558.

Allele frequency attached by ClinVar (database versions not stated): gnomAD exomes below 0.00001.
gnomAD v4.1: 1 of 1,614,148 alleles (0.000062%); highest among the groups gnomAD compares: East Asian, 0.0022%; no homozygotes.

Submission:

Labcorp Genetics (formerly Invitae), Labcorp
Classification: Uncertain significance for Familial hypobetalipoproteinemia 1; Hypercholesterolemia, autosomal dominant, type B. Last evaluated: 2023-10-10. Review status: criteria provided, single submitter. Criteria: Invitae Variant Classification Sherloc (09022015). Collection method: clinical testing. Allele origin: germline.
Comment: This sequence change replaces serine, which is neutral and polar, with cysteine, which is neutral and slightly polar, at codon 1460 of the APOB protein (p.Ser1460Cys). This variant is not present in population databases (gnomAD no frequency). This variant has not been reported in the literature in individuals affected with APOB-related conditions. Advanced modeling of protein sequence and biophysical properties (such as structural, functional, and spatial information, amino acid conservation, physicochemical variation, residue mobility, and thermodynamic stability) performed at Invitae indicates that this missense variant is not expected to disrupt APOB protein function. In summary, the available evidence is currently insufficient to determine the role of this variant in disease. Therefore, it has been classified as a Variant of Uncertain Significance.

NM_000384.3(APOB):c.4379C>G (p.Ser1460Cys)

Gene: APOB (apolipoprotein B; minus strand). Cytogenetic location: 2p24.1.
Variant type: single nucleotide variant.
Coding change: c.4379C>G on transcript NM_000384.3 (MANE Select); coding-DNA position 4379, C replaced by G.
Protein change: p.Ser1460Cys; replaces serine 1460 with cysteine.
Molecular consequence: missense variant.
Genome position (GRCh38, 1-based): chr2:21,012,489, G>C on the plus strand (C>G on the coding strand, the complement: APOB is on the minus strand). VCF-style: chr2-21012489-G-C. GRCh37 (hg19) VCF-style: chr2-21235361-G-C.
Other names: short protein forms S1460C.
Identifiers: ClinVar variation 2952752 (VCV002952752.3), dbSNP rs2465378745, ClinGen allele CA346007018.